The following is an entry in ClinVar:

ClinVar aggregate classification (germline): Uncertain significance. Review status: criteria provided, multiple submitters, no conflicts (2 of 4 stars). 2 submissions from 2 submitters: Uncertain significance (2). Last evaluated 2024-02-02.

Conditions:
Charcot-Marie-Tooth disease type 2. Also called: Charcot-Marie-Tooth type 2. Identifiers: Orphanet 64746, MedGen C0270914, MONDO:0018993.

Allele frequency attached by ClinVar (database versions not stated): TOPMed below 0.00001; gnomAD exomes 0.00001.

Submissions (2):

Labcorp Genetics (formerly Invitae), Labcorp
Classification: Uncertain significance for Charcot-Marie-Tooth disease type 2. Last evaluated: 2024-02-02. Review status: criteria provided, single submitter. Criteria: Invitae Variant Classification Sherloc (09022015). Collection method: clinical testing. Allele origin: germline.
Comment: This sequence change replaces methionine, which is neutral and non-polar, with threonine, which is neutral and polar, at codon 1054 of the KIF1B protein (p.Met1054Thr). This variant is not present in population databases (gnomAD no frequency). This variant has not been reported in the literature in individuals affected with KIF1B-related conditions. ClinVar contains an entry for this variant (Variation ID: 1728318). An algorithm developed to predict the effect of missense changes on protein structure and function (PolyPhen-2) suggests that this variant is likely to be tolerated. In summary, the available evidence is currently insufficient to determine the role of this variant in disease. Therefore, it has been classified as a Variant of Uncertain Significance.

Ambry Genetics
Classification: Uncertain significance. Last evaluated: 2022-10-11. Review status: criteria provided, single submitter. Criteria: Ambry Variant Classification Scheme 2023. Collection method: clinical testing. Allele origin: germline.
Comment: The p.M1054T variant (also known as c.3161T>C), located in coding exon 28 of the KIF1B gene, results from a T to C substitution at nucleotide position 3161. The methionine at codon 1054 is replaced by threonine, an amino acid with similar properties. This amino acid position is conserved. In addition, the in silico prediction for this alteration is inconclusive. Since supporting evidence is limited at this time, the clinical significance of this alteration remains unclear.

NM_001365951.3(KIF1B):c.3299T>C (p.Met1100Thr)

Gene: KIF1B (kinesin family member 1B; plus strand). Cytogenetic location: 1p36.22.
Variant type: single nucleotide variant.
Coding change: c.3299T>C on transcript NM_001365951.3 (MANE Select); coding-DNA position 3299, T replaced by C.
Protein change: p.Met1100Thr; replaces methionine 1100 with threonine.
Molecular consequence: missense variant.
Genome position (GRCh38, 1-based): chr1:10,337,410, T>C. VCF-style: chr1-10337410-T-C. GRCh37 (hg19) VCF-style: chr1-10397468-T-C.
Other names: c.3299T>C, p.Met1100Thr (NM_001365952.1); c.3161T>C, p.Met1054Thr (NM_015074.3); short protein forms M1100T, M1054T.
Identifiers: ClinVar variation 1728318 (VCV001728318.4), dbSNP rs1652220102, ClinGen allele CA338340385.
Genomic context (GRCh38, chr1:10,337,410, plus strand): 5'-TCTTCATTTGACCCTCTTTAGATTTGAAGTCAAGCACTTTGCTGGATGGTAAGATGGTAA[T>C]GGAAGGGTTTTCTGAAGAGATTGGCAACCACCTGAAACTGGGCAGTGCCTTCACTTTCCG-3'
Protein context (NP_001352880.1, residues 1090-1110): SSTLLDGKMV[Met1100Thr]EGFSEEIGNH